The following is an entry in ClinVar:

ClinVar aggregate classification (germline): Uncertain significance. Review status: criteria provided, multiple submitters, no conflicts (2 of 4 stars). 3 submissions from 3 submitters: Uncertain significance (3). Last evaluated 2025-08-04.

Conditions:
Hereditary cancer-predisposing syndrome. Also called: Neoplastic Syndromes, Hereditary; Tumor predisposition; Hereditary Cancer Syndrome; Hereditary neoplastic syndrome. Identifiers: Orphanet 140162, MedGen C0027672, MeSH D009386, MONDO:0015356.
Familial adenomatous polyposis 1 (FAP1). Also called: FAMILIAL ADENOMATOUS POLYPOSIS 1, ATTENUATED; POLYPOSIS, ADENOMATOUS INTESTINAL. Identifiers: MedGen C2713442, MONDO:0021056, OMIM 175100. Disease mechanism: loss of function.

Submissions (3):

Ambry Genetics
Classification: Uncertain significance for Hereditary cancer-predisposing syndrome. Last evaluated: 2025-08-04. Review status: criteria provided, single submitter. Criteria: Ambry Variant Classification Scheme 2023. Collection method: clinical testing. Allele origin: germline.
Comment: The p.P441L variant (also known as c.1322C>T), located in coding exon 10 of the APC gene, results from a C to T substitution at nucleotide position 1322. The proline at codon 441 is replaced by leucine, an amino acid with similar properties. This amino acid position is highly conserved in available vertebrate species. In addition, in silico predictors for this gene do not accurately predict pathogenicity. Missense alterations in APC are not a common cause of disease (Spier I et al. Genet Med. 2024 Feb;26(2):100992). Based on the available evidence, the clinical significance of this variant remains unclear.

Labcorp Genetics (formerly Invitae), Labcorp
Classification: Uncertain significance for Familial adenomatous polyposis 1. Last evaluated: 2019-10-24. Review status: criteria provided, single submitter. Criteria: Invitae Variant Classification Sherloc (09022015). Collection method: clinical testing. Allele origin: germline.
Comment: In summary, the available evidence is currently insufficient to determine the role of this variant in disease. Therefore, it has been classified as a Variant of Uncertain Significance. Algorithms developed to predict the effect of missense changes on protein structure and function are either unavailable or do not agree on the potential impact of this missense change (SIFT: "Deleterious"; PolyPhen-2: "Possibly Damaging"; Align-GVGD: "Class C0"). This variant has not been reported in the literature in individuals with APC-related conditions. This variant is not present in population databases (ExAC no frequency). This sequence change replaces proline with leucine at codon 441 of the APC protein (p.Pro441Leu). The proline residue is highly conserved and there is a moderate physicochemical difference between proline and leucine.

Color Diagnostics, LLC DBA Color Health
Classification: Uncertain significance for Hereditary cancer-predisposing syndrome. Last evaluated: 2019-06-20. Review status: criteria provided, single submitter. Criteria: ACMG Guidelines, 2015. Collection method: clinical testing. Allele origin: germline.

NM_000038.6(APC):c.1322C>T (p.Pro441Leu)

Gene: APC (APC regulator of Wnt signaling pathway; plus strand). Cytogenetic location: 5q22.2.
Variant type: single nucleotide variant.
Coding change: c.1322C>T on transcript NM_000038.6 (MANE Select); coding-DNA position 1322, C replaced by T.
Protein change: p.Pro441Leu; replaces proline 441 with leucine.
Molecular consequence: missense variant.
Genome position (GRCh38, 1-based): chr5:112,821,905, C>T. VCF-style: chr5-112821905-C-T. GRCh37 (hg19) VCF-style: chr5-112157602-C-T.
Other names: c.1238C>T, p.Pro413Leu (NM_001354899.2); c.1145C>T, p.Pro382Leu (NM_001354900.2, NM_001354901.2); c.1049C>T, p.Pro350Leu (NM_001354902.2); c.1019C>T, p.Pro340Leu (NM_001354903.2); c.944C>T, p.Pro315Leu (NM_001354904.2); c.842C>T, p.Pro281Leu (NM_001354905.2); c.473C>T, p.Pro158Leu (NM_001354906.2); c.1322C>T, p.Pro441Leu (NM_001127510.3, NM_001354895.2, NM_001354896.2); and 3 more; short protein forms P416L, P340L, P382L, P413L, P158L, P315L, P441L, P451L.
Identifiers: ClinVar variation 923885 (VCV000923885.14), dbSNP rs1763167481, ClinGen allele CA16024202.